The following is an entry in ClinVar:

ClinVar aggregate classification (germline): Pathogenic. Review status: criteria provided, multiple submitters, no conflicts (2 of 4 stars). 5 submissions from 5 submitters: Pathogenic (2). 3 of the submissions do not count toward it. Last evaluated 2023-07-30.

Conditions:
Pulmonary arterial hypertension. Identifiers: Orphanet 182090, MedGen C2973725, MeSH D000081029, MONDO:0015924, HP:0002092.
Primary pulmonary hypertension. Also called: Idiopathic pulmonary hypertension. Identifiers: MedGen C0152171.
Pulmonary hypertension, primary, 1 (PPH1). Also called: Pulmonary hypertension, familial primary, 1, with or without HHT. Identifiers: Orphanet 422, MedGen C4552070, MONDO:0024533, OMIM 178600.
BMPR2-related disorder. Also called: BMPR2-related disorders; BMPR2-related condition.

Submissions (5):

Labcorp Genetics (formerly Invitae), Labcorp
Classification: Pathogenic for Primary pulmonary hypertension. Last evaluated: 2023-07-30. Review status: criteria provided, single submitter. Criteria: Invitae Variant Classification Sherloc (09022015). Collection method: clinical testing. Allele origin: germline.
Comment: For these reasons, this variant has been classified as Pathogenic. ClinVar contains an entry for this variant (Variation ID: 425685). This premature translational stop signal has been observed in individual(s) with pulmonary arterial hypertension (PMID: 18356561, 21801371, 26387786). This variant is not present in population databases (gnomAD no frequency). This sequence change creates a premature translational stop signal (p.Trp16*) in the BMPR2 gene. It is expected to result in an absent or disrupted protein product. Loss-of-function variants in BMPR2 are known to be pathogenic (PMID: 16429395).

Genetics and Molecular Pathology, SA Pathology
Classification: Pathogenic for Pulmonary hypertension, primary, 1. Last evaluated: 2022-03-13. Review status: criteria provided, single submitter. Criteria: ACMG Guidelines, 2015. Collection method: clinical testing. Allele origin: germline. Affected: yes.

PreventionGenetics, part of Exact Sciences
Classification: Pathogenic for BMPR2-related condition. Last evaluated: 2024-02-07. Review status: no assertion criteria provided. Collection method: clinical testing. Allele origin: germline. Not counted in ClinVar's aggregate classification.
Comment: The BMPR2 c.48G>A variant is predicted to result in premature protein termination (p.Trp16*). This variant has been reported in multiple individuals with idiopathic or hereditary pulmonary arterial hypertension (Sztrymf et al. 2008. PubMed ID: 18356561; Dewachter et al. 2009. PubMed ID: 19324947; Liu et al. 2011. PubMed ID: 21737554; Pfarr et al. 2011. PubMed ID: 21801371; Machado et al. 2015. PubMed ID: 26387786; Table S1, Eichstaedt et al. 2022. PubMed ID: 35346192). This variant has not been reported in a large population database, indicating this variant is rare. Nonsense variants in BMPR2 are expected to be pathogenic. This variant is interpreted as pathogenic.

NIHR Bioresource Rare Diseases, University of Cambridge
Classification: Pathogenic for Pulmonary arterial hypertension. Review status: no assertion criteria provided. Collection method: research. Allele origin: unknown. Affected: yes. Observed: 1 variant allele. Not counted in ClinVar's aggregate classification.

Rare Disease Genomics Group, St George's University of London
Classification: Pathogenic for Primary pulmonary hypertension. Review status: no assertion criteria provided. Collection method: literature only. Allele origin: germline. Affected: yes. Not counted in ClinVar's aggregate classification.

Literature cited by the submitters: PubMed 18356561 (cited by Labcorp Genetics (formerly Invitae), Labcorp and Rare Disease Genomics Group, St George's University of London); PubMed 21801371 (cited by Labcorp Genetics (formerly Invitae), Labcorp and Rare Disease Genomics Group, St George's University of London); PubMed 26387786 (cited by Labcorp Genetics (formerly Invitae), Labcorp and Rare Disease Genomics Group, St George's University of London); PubMed 16429395 (cited by Labcorp Genetics (formerly Invitae), Labcorp); PubMed 32581362 (cited by NIHR Bioresource Rare Diseases, University of Cambridge); PubMed 21737554 (cited by Rare Disease Genomics Group, St George's University of London).

NM_001204.7(BMPR2):c.48G>A (p.Trp16Ter)

Gene: BMPR2 (bone morphogenetic protein receptor type 2; plus strand). Cytogenetic location: 2q33.1.
Variant type: single nucleotide variant.
Coding change: c.48G>A on transcript NM_001204.7 (MANE Select); coding-DNA position 48, G replaced by A.
Protein change: p.Trp16Ter; replaces tryptophan 16 with a stop codon.
Molecular consequence: nonsense.
Genome position (GRCh38, 1-based): chr2:202,377,522, G>A. VCF-style: chr2-202377522-G-A. GRCh37 (hg19) VCF-style: chr2-203242245-G-A.
Other names: c.48G>A, p.W16* (LRG_712t1); short protein forms W16*.
Identifiers: ClinVar variation 425685 (VCV000425685.14), dbSNP rs1085307154, ClinGen allele CA350396691.